The following is an entry in ClinVar:

NM_002480.3(PPP1R12A):c.1451A>G (p.Glu484Gly)

Gene: PPP1R12A (protein phosphatase 1 regulatory subunit 12A; minus strand). Cytogenetic location: 12q21.2.
Variant type: single nucleotide variant.
Coding change: c.1451A>G on transcript NM_002480.3 (MANE Select); coding-DNA position 1451, A replaced by G.
Protein change: p.Glu484Gly; replaces glutamic acid 484 with glycine.
Molecular consequence: missense variant.
Genome position (GRCh38, 1-based): chr12:79,809,799, T>C on the plus strand (A>G on the coding strand, the complement: PPP1R12A is on the minus strand). VCF-style: chr12-79809799-T-C. GRCh37 (hg19) VCF-style: chr12-80203579-T-C.
Other names: c.1451A>G, p.Glu484Gly (NM_001143885.2, NM_001244990.2, NM_001244992.1); c.1190A>G, p.Glu397Gly (NM_001143886.2); short protein forms E397G, E484G.
Identifiers: ClinVar variation 2841901 (VCV002841901.3), dbSNP rs2547912193, ClinGen allele CA385849501.

ClinVar aggregate classification (germline): Uncertain significance (1 of 4 stars; one submission).

Submission:

Labcorp Genetics (formerly Invitae), Labcorp
Classification: Uncertain significance. Last evaluated: 2023-03-01. Review status: criteria provided, single submitter. Criteria: Invitae Variant Classification Sherloc (09022015). Collection method: clinical testing. Allele origin: germline.
Comment: In summary, the available evidence is currently insufficient to determine the role of this variant in disease. Therefore, it has been classified as a Variant of Uncertain Significance. An algorithm developed to predict the effect of missense changes on protein structure and function (PolyPhen-2) suggests that this variant is likely to be tolerated. This variant has not been reported in the literature in individuals affected with PPP1R12A-related conditions. This variant is not present in population databases (gnomAD no frequency). This sequence change replaces glutamic acid, which is acidic and polar, with glycine, which is neutral and non-polar, at codon 484 of the PPP1R12A protein (p.Glu484Gly).